The following is an entry in ClinVar:

ClinVar aggregate classification (germline): Benign/Likely benign. Review status: criteria provided, multiple submitters, no conflicts (2 of 4 stars). 3 submissions from 3 submitters: Benign (1); Likely benign (2). Last evaluated 2025-11-30.

Conditions:
Melanoma, cutaneous malignant, susceptibility to, 3. Also called: Cutaneous malignant melanoma 3. Identifiers: Orphanet 618, MedGen C1836892, MONDO:0012183, OMIM 609048.
Familial melanoma. Also called: Hereditary melanoma; Hereditary cutaneous melanoma. Identifiers: Orphanet 618, MedGen C1512419, MONDO:0018961.
Hereditary cancer-predisposing syndrome. Also called: Tumor predisposition; Neoplastic Syndromes, Hereditary; Hereditary Cancer Syndrome; Hereditary neoplastic syndrome. Identifiers: Orphanet 140162, MedGen C0027672, MeSH D009386, MONDO:0015356.

Allele frequency attached by ClinVar (database versions not stated): gnomAD exomes below 0.00001.
gnomAD v4.1: 2 of 1,614,224 alleles (0.00012%); highest among the groups gnomAD compares: Non-Finnish European, 0.00017%; no homozygotes.

Submissions (3):

Ambry Genetics
Classification: Likely benign for Hereditary cancer-predisposing syndrome. Last evaluated: 2025-11-30. Review status: criteria provided, single submitter. Criteria: Ambry Variant Classification Scheme 2023. Collection method: clinical testing. Allele origin: germline.

Myriad Genetics, Inc.
Classification: Benign for Melanoma, cutaneous malignant, susceptibility to, 3. Last evaluated: 2024-09-26. Review status: criteria provided, single submitter. Criteria: Myriad Autosomal Dominant, Autosomal Recessive and X-Linked Classification Criteria (2023). Collection method: clinical testing. Allele origin: unknown.
Comment: This variant is considered benign. This variant is a silent/synonymous amino acid change and it is not expected to impact splicing.

Labcorp Genetics (formerly Invitae), Labcorp
Classification: Likely benign for Familial melanoma. Last evaluated: 2021-10-31. Review status: criteria provided, single submitter. Criteria: Invitae Variant Classification Sherloc (09022015). Collection method: clinical testing. Allele origin: germline.

NM_000075.4(CDK4):c.648A>C (p.Gly216=)

Genes: CDK4 (cyclin dependent kinase 4; minus strand), TSPAN31 (tetraspanin 31; plus strand). Cytogenetic location: 12q14.1.
Variant type: single nucleotide variant.
Coding change: c.648A>C on transcript NM_000075.4 (MANE Select); coding-DNA position 648, A replaced by C.
Protein change: p.Gly216=; no amino-acid change (glycine 216 retained).
Molecular consequence: synonymous variant. On other transcripts: 3 prime UTR variant (3).
Genome position (GRCh38, 1-based): chr12:57,749,489, T>G on the plus strand (A>C on the coding strand, the complement: CDK4 is on the minus strand). VCF-style: chr12-57749489-T-G. GRCh37 (hg19) VCF-style: chr12-58143272-T-G.
Other names: c.*2199T>G (NM_001330168.2, NM_001330169.2, NM_005981.5); c.648A>C (NM_000075.3).
Identifiers: ClinVar variation 1160457 (VCV001160457.11), dbSNP rs2140383924, ClinGen allele CA385544165.